The following is an entry in ClinVar:

NM_007055.4(POLR3A):c.142C>T (p.His48Tyr)

Gene: POLR3A (RNA polymerase III subunit A; minus strand). Cytogenetic location: 10q22.3.
Variant type: single nucleotide variant.
Coding change: c.142C>T on transcript NM_007055.4 (MANE Select); coding-DNA position 142, C replaced by T.
Protein change: p.His48Tyr; replaces histidine 48 with tyrosine.
Molecular consequence: missense variant.
Genome position (GRCh38, 1-based): chr10:78,026,132, G>A on the plus strand (C>T on the coding strand, the complement: POLR3A is on the minus strand). VCF-style: chr10-78026132-G-A. GRCh37 (hg19) VCF-style: chr10-79785890-G-A.
Other names: short protein forms H48Y.
Identifiers: ClinVar variation 2080758 (VCV002080758.3), dbSNP rs761784469, ClinGen allele CA5571790.

ClinVar aggregate classification (germline): Uncertain significance (1 of 4 stars; one submission).

Allele frequency attached by ClinVar (database versions not stated): gnomAD exomes below 0.00001; ExAC 0.00001; gnomAD 0.00001.
gnomAD v4.1: 3 of 1,614,132 alleles (0.00019%); highest among the groups gnomAD compares: African/African-American, 0.0027%; no homozygotes.

Submission:

Labcorp Genetics (formerly Invitae), Labcorp
Classification: Uncertain significance. Last evaluated: 2023-08-10. Review status: criteria provided, single submitter. Criteria: Invitae Variant Classification Sherloc (09022015). Collection method: clinical testing. Allele origin: germline.
Comment: In summary, the available evidence is currently insufficient to determine the role of this variant in disease. Therefore, it has been classified as a Variant of Uncertain Significance. Advanced modeling of protein sequence and biophysical properties (such as structural, functional, and spatial information, amino acid conservation, physicochemical variation, residue mobility, and thermodynamic stability) performed at Invitae indicates that this missense variant is not expected to disrupt POLR3A protein function. ClinVar contains an entry for this variant (Variation ID: 2080758). This variant has not been reported in the literature in individuals affected with POLR3A-related conditions. This variant is present in population databases (rs761784469, gnomAD 0.0009%). This sequence change replaces histidine, which is basic and polar, with tyrosine, which is neutral and polar, at codon 48 of the POLR3A protein (p.His48Tyr).